The following is an entry in ClinVar:

ClinVar aggregate classification (germline): Uncertain significance (1 of 4 stars; one submission).

Submission:

GeneDx
Classification: Uncertain significance. Last evaluated: 2026-10-01. Review status: criteria provided, single submitter. Criteria: GeneDx Variant Classification Process June 2021. Collection method: clinical testing. Allele origin: germline.
Comment: Not observed at significant frequency in large population cohorts (gnomAD); In silico analysis suggests that this variant does not alter protein structure/function; Has not been previously published as pathogenic or benign to our knowledge

NM_002016.2(FLG):c.5871_5872inv (p.Gly1958Arg)

Genes: CCDST (cervical cancer associated DHX9 suppressive transcript; plus strand), FLG (filaggrin; minus strand). Cytogenetic location: 1q21.3.
Variant type: Inversion.
Coding change: c.5871_5872inv on transcript NM_002016.2 (MANE Select).
Protein change: p.Gly1958Arg; replaces glycine 1958 with arginine.
Molecular consequence: missense variant.
Genome position: GRCh38 VCF-style: chr1-152309014-CA-TG. GRCh37 (hg19) VCF-style: chr1-152281490-CA-TG.
Other names: c.5871_5872delinsCA (NM_002016.1); short protein forms G1958R.
Identifiers: ClinVar variation 1803318 (VCV001803318.2), ClinGen allele CA2580061054.
Genomic context (GRCh38, chr1:152,309,014, plus strand): 5'-CTGATTGTCTGGAGCTGTCTGCAGAGTGCCCGTGACCGGCTCTGTCTTCGTGATGGGACC[CA>TG]GGGTGTCTGGAGCCATCTCTTGACTGCTCCCAAGCAGATCCAAGATGGTTTCTGGAAGCA-3'
Protein context (NP_002007.1, residues 1948-1968): EQSRDGSRHP[Gly1958Arg]SHHEDRAGHG